The following is an entry in ClinVar:

NM_173728.4(ARHGEF15):c.131A>G (p.Gln44Arg)

Gene: ARHGEF15 (Rho guanine nucleotide exchange factor 15; plus strand). Cytogenetic location: 17p13.1.
Variant type: single nucleotide variant.
Coding change: c.131A>G on transcript NM_173728.4 (MANE Select); coding-DNA position 131, A replaced by G.
Protein change: p.Gln44Arg; replaces glutamine 44 with arginine.
Molecular consequence: missense variant.
Genome position (GRCh38, 1-based): chr17:8,312,170, A>G. VCF-style: chr17-8312170-A-G. GRCh37 (hg19) VCF-style: chr17-8215488-A-G.
Other names: c.131A>G, p.Gln44Arg (NM_025014.2); short protein forms Q44R.
Identifiers: ClinVar variation 2761746 (VCV002761746.3), dbSNP rs2543925686, ClinGen allele CA398013443.

ClinVar aggregate classification (germline): Uncertain significance (1 of 4 stars; one submission).

Conditions:
Early-infantile DEE. Also called: Ohtahara syndrome; Early infantile epileptic encephalopathy; Early infantile epileptic encephalopathy with suppression bursts. Identifiers: Orphanet 1934, MedGen C0393706, MONDO:0800491.

Submission:

Labcorp Genetics (formerly Invitae), Labcorp
Classification: Uncertain significance for Early-infantile DEE. Last evaluated: 2023-09-19. Review status: criteria provided, single submitter. Criteria: Invitae Variant Classification Sherloc (09022015). Collection method: clinical testing. Allele origin: germline.
Comment: In summary, the available evidence is currently insufficient to determine the role of this variant in disease. Therefore, it has been classified as a Variant of Uncertain Significance. Algorithms developed to predict the effect of missense changes on protein structure and function output the following: SIFT: "Not Available"; PolyPhen-2: "Benign"; Align-GVGD: "Not Available". The arginine amino acid residue is found in multiple mammalian species, which suggests that this missense change does not adversely affect protein function. This variant has not been reported in the literature in individuals affected with ARHGEF15-related conditions. This variant is not present in population databases (gnomAD no frequency). This sequence change replaces glutamine, which is neutral and polar, with arginine, which is basic and polar, at codon 44 of the ARHGEF15 protein (p.Gln44Arg).